The following is an entry in ClinVar:

ClinVar aggregate classification (germline): Uncertain significance (1 of 4 stars; one submission).

Conditions:
Severe combined immunodeficiency due to DNA-PKcs deficiency. Also called: IMMUNODEFICIENCY 26 WITH NEUROLOGIC ABNORMALITIES; Immunodeficiency 26 with or without neurologic abnormalities. Identifiers: Orphanet 317425, MedGen C4014833, MONDO:0014423, OMIM 615966.

Submission:

Labcorp Genetics (formerly Invitae), Labcorp
Classification: Uncertain significance for Severe combined immunodeficiency due to DNA-PKcs deficiency. Last evaluated: 2020-12-22. Review status: criteria provided, single submitter. Criteria: Invitae Variant Classification Sherloc (09022015). Collection method: clinical testing. Allele origin: germline.
Comment: In summary, the available evidence is currently insufficient to determine the role of this variant in disease. Therefore, it has been classified as a Variant of Uncertain Significance. Experimental studies and prediction algorithms are not available or were not evaluated, and the functional significance of this variant is currently unknown. This variant has not been reported in the literature in individuals with PRKDC-related conditions. This variant is not present in population databases (ExAC no frequency). This sequence change replaces lysine with glutamic acid at codon 1186 of the PRKDC protein (p.Lys1186Glu). The lysine residue is highly conserved and there is a small physicochemical difference between lysine and glutamic acid.

NM_006904.7(PRKDC):c.3556A>G (p.Lys1186Glu)

Gene: PRKDC (protein kinase, DNA-activated, catalytic subunit; minus strand). Cytogenetic location: 8q11.21.
Variant type: single nucleotide variant.
Coding change: c.3556A>G on transcript NM_006904.7 (MANE Select); coding-DNA position 3556, A replaced by G.
Protein change: p.Lys1186Glu; replaces lysine 1186 with glutamic acid.
Molecular consequence: missense variant.
Genome position (GRCh38, 1-based): chr8:47,897,203, T>C on the plus strand (A>G on the coding strand, the complement: PRKDC is on the minus strand). VCF-style: chr8-47897203-T-C. GRCh37 (hg19) VCF-style: chr8-48809763-T-C.
Other names: c.3556A>G, p.Lys1186Glu (NM_001081640.2); short protein forms K1186E.
Identifiers: ClinVar variation 1477822 (VCV001477822.6), dbSNP rs2154502119, ClinGen allele CA371153490.
Genomic context (GRCh38, chr8:47,897,203, plus strand): 5'-ATATACAGATTACCATACCTGGCAATAAAGGAACGAATTTATAAAAGAGTTCAATGGATT[T>C]GTGTCGACATTCTGTCTGGGGCCTCCCACAATGAGCTAAAAGCCACTTGACCAGATCCAA-3'
Protein context (NP_008835.5, residues 1176-1196): CGRPQTECRH[Lys1186Glu]SIELFYKFVP